The following is an entry in ClinVar:

NM_182961.4(SYNE1):c.17176G>T (p.Ala5726Ser)

Genes: SYNE1 (spectrin repeat containing nuclear envelope protein 1; minus strand), LOC126859837 (BRD4-independent group 4 enhancer GRCh37_chr6:152630775-152631974; plus strand). Cytogenetic location: 6q25.2.
Variant type: single nucleotide variant.
Coding change: c.17176G>T on transcript NM_182961.4 (MANE Select); coding-DNA position 17176, G replaced by T.
Protein change: p.Ala5726Ser; replaces alanine 5726 with serine.
Molecular consequence: missense variant.
Genome position (GRCh38, 1-based): chr6:152,309,861, C>A on the plus strand (G>T on the coding strand, the complement: SYNE1 is on the minus strand). VCF-style: chr6-152309861-C-A. GRCh37 (hg19) VCF-style: chr6-152630996-C-A.
Other names: c.16963G>T, p.Ala5655Ser (NM_033071.5); short protein forms A5726S, A5655S.
Identifiers: ClinVar variation 2149004 (VCV002149004.28), dbSNP rs775685010, ClinGen allele CA4055325.

ClinVar aggregate classification (germline): Uncertain significance. Review status: criteria provided, multiple submitters, no conflicts (2 of 4 stars). 3 submissions from 3 submitters: Uncertain significance (3). Last evaluated 2022-10-01.

Conditions:
Autosomal recessive ataxia, Beauce type. Also called: Spinocerebellar ataxia, autosomal recessive 8; SYNE1-Related Autosomal Recessive Cerebellar Ataxia; SYNE1 Deficiency; ATAXIA, RECESSIVE, OF BEAUCE. Identifiers: Orphanet 88644, MedGen C1853116, MONDO:0012549, OMIM 610743.
Emery-Dreifuss muscular dystrophy 4, autosomal dominant (EDMD4). Also called: EMERY-DREIFUSS MUSCULAR DYSTROPHY 4 WITH VARIABLE FEATURES. Identifiers: Orphanet 261, MedGen C2751807, MONDO:0013071, OMIM 612998.

Allele frequency attached by ClinVar (database versions not stated): TOPMed 0.00002.
gnomAD v4.1: 13 of 1,613,950 alleles (0.00081%); highest among the groups gnomAD compares: East Asian, 0.027%; no homozygotes.

Submissions (3):

CeGaT Center for Human Genetics Tuebingen
Classification: Uncertain significance. Last evaluated: 2022-10-01. Review status: criteria provided, single submitter. Criteria: CeGaT Center For Human Genetics Tuebingen Variant Classification Criteria Version 2. Collection method: clinical testing. Allele origin: germline. Affected: yes. Observed: 1 variant allele.

Labcorp Genetics (formerly Invitae), Labcorp
Classification: Uncertain significance for Emery-Dreifuss muscular dystrophy 4, autosomal dominant; Autosomal recessive ataxia, Beauce type. Last evaluated: 2022-03-04. Review status: criteria provided, single submitter. Criteria: Invitae Variant Classification Sherloc (09022015). Collection method: clinical testing. Allele origin: germline.
Comment: This sequence change replaces alanine, which is neutral and non-polar, with serine, which is neutral and polar, at codon 5655 of the SYNE1 protein (p.Ala5655Ser). This variant is present in population databases (rs775685010, gnomAD 0.04%). This variant has not been reported in the literature in individuals affected with SYNE1-related conditions. Algorithms developed to predict the effect of missense changes on protein structure and function (SIFT, PolyPhen-2, Align-GVGD) all suggest that this variant is likely to be disruptive. In summary, the available evidence is currently insufficient to determine the role of this variant in disease. Therefore, it has been classified as a Variant of Uncertain Significance.

Revvity Omics, Revvity
Classification: Uncertain significance. Last evaluated: 2020-10-23. Review status: criteria provided, single submitter. Criteria: ACMG Guidelines, 2015. Collection method: clinical testing. Allele origin: germline.